The following is an entry in ClinVar:

ClinVar aggregate classification (germline): Uncertain significance (1 of 4 stars; one submission).

Conditions:
Bethlem myopathy 1A. Also called: Bethlem myopathy 1; Bethlem Muscular Dystrophy; MYOPATHY, BENIGN CONGENITAL, WITH CONTRACTURES. Identifiers: Orphanet 610, MedGen CN029274, MONDO:0024530, OMIM 158810.

gnomAD v4.1: 1 of 1,614,176 alleles (0.000062%); highest among the groups gnomAD compares: African/African-American, 0.0013%; no homozygotes.

Submission:

Labcorp Genetics (formerly Invitae), Labcorp
Classification: Uncertain significance for Bethlem myopathy 1A. Last evaluated: 2026-02-01. Review status: criteria provided, single submitter. Criteria: Invitae Variant Classification Sherloc (09022015). Collection method: clinical testing. Allele origin: germline.
Comment: This sequence change replaces glutamic acid, which is acidic and polar, with aspartic acid, which is acidic and polar, at codon 2072 of the COL6A3 protein (p.Glu2072Asp). This variant is not present in population databases (gnomAD no frequency). This variant has not been reported in the literature in individuals affected with COL6A3-related conditions. Invitae Evidence Modeling of protein sequence and biophysical properties (such as structural, functional, and spatial information, amino acid conservation, physicochemical variation, residue mobility, and thermodynamic stability) indicates that this missense variant is not expected to disrupt COL6A3 protein function with a negative predictive value of 80%. In summary, the available evidence is currently insufficient to determine the role of this variant in disease. Therefore, it has been classified as a Variant of Uncertain Significance.

NM_004369.4(COL6A3):c.6216G>T (p.Glu2072Asp)

Gene: COL6A3 (collagen type VI alpha 3 chain; minus strand). Cytogenetic location: 2q37.3.
Variant type: single nucleotide variant.
Coding change: c.6216G>T on transcript NM_004369.4 (MANE Select); coding-DNA position 6216, G replaced by T.
Protein change: p.Glu2072Asp; replaces glutamic acid 2072 with aspartic acid.
Molecular consequence: missense variant.
Genome position (GRCh38, 1-based): chr2:237,360,154, C>A on the plus strand (G>T on the coding strand, the complement: COL6A3 is on the minus strand). VCF-style: chr2-237360154-C-A. GRCh37 (hg19) VCF-style: chr2-238268797-C-A.
Other names: c.4395G>T, p.Glu1465Asp (NM_057166.5); c.5598G>T, p.Glu1866Asp (NM_057167.4); short protein forms E2072D, E1465D, E1866D.
Identifiers: ClinVar variation 4760530 (VCV004760530.1).